The following is an entry in ClinVar:

ClinVar aggregate classification (germline): Likely pathogenic. Review status: criteria provided, multiple submitters, no conflicts (2 of 4 stars). 3 submissions from 3 submitters: Likely pathogenic (2). 1 of the submissions does not count toward it. Last evaluated 2025-03-17.

Conditions:
Neurodevelopmental disorder with microcephaly and speech delay, with or without brain abnormalities (NEDMSBA). Identifiers: MedGen C5830413, MONDO:0957218, OMIM 620317.

Allele frequency attached by ClinVar (database versions not stated): TOPMed 0.00005; gnomAD 0.00010; 1000 Genomes Project 30x 0.00016; 1000 Genomes Project 0.00020; gnomAD exomes 0.00026; ExAC 0.00043.

Submissions (3):

First Genomix Gene Laboratory, Genetic Diagnostics Department
Classification: Likely pathogenic for Neurodevelopmental disorder with microcephaly and speech delay, with or without brain abnormalities. Last evaluated: 2025-03-17. Review status: criteria provided, single submitter. Criteria: ACMG Guidelines, 2015. Collection method: clinical testing. Allele origin: germline. Inheritance: Autosomal recessive inheritance. Affected: no. Observed: 1 variant allele.

3billion
Classification: Likely pathogenic for Neurodevelopmental disorder with microcephaly and speech delay, with or without brain abnormalities. Last evaluated: 2023-08-04. Review status: criteria provided, single submitter. Criteria: ACMG Guidelines, 2015. Collection method: clinical testing. Allele origin: germline. Affected: yes.
Comment: The variant is observed at an extremely low frequency in the gnomAD v2.1.1 dataset (total allele frequency: 0.039%). Predicted Consequence/Location: Missense changes are a common disease-causing mechanism. Functional studies provide moderate evidence of the variant having a damaging effect on the gene or gene product (PMID: 35815345). In silico tool predictions suggest no damaging effect of the variant on gene or gene product [REVEL: 0.30 (<0.4); 3Cnet: 0.07 (<0.15, specificity 0.78 and negative predicitive value 0.92)]. Same nucleotide change resulting in same amino acid change has been previously reported to be associated with WARS1 related disorder (ClinVar ID: VCV002499496 /PMID: 35815345). Therefore, this variant is classified as Likely pathogenic according to the recommendation of ACMG/AMP guideline.

OMIM
Classification: Pathogenic for NEURODEVELOPMENTAL DISORDER WITH MICROCEPHALY AND SPEECH DELAY, WITH BRAIN ABNORMALITIES. Last evaluated: 2023-04-19. Review status: no assertion criteria provided. Collection method: literature only. Allele origin: germline. Not counted in ClinVar's aggregate classification.

Literature cited by the submitters: PubMed 35815345 (cited by 3billion and OMIM).

NM_004184.4(WARS1):c.1255G>A (p.Asp419Asn)

Gene: WARS1 (tryptophanyl-tRNA synthetase 1; minus strand). Cytogenetic location: 14q32.2.
Variant type: single nucleotide variant.
Coding change: c.1255G>A on transcript NM_004184.4 (MANE Select); coding-DNA position 1255, G replaced by A.
Protein change: p.Asp419Asn; replaces aspartic acid 419 with asparagine.
Molecular consequence: missense variant.
Genome position (GRCh38, 1-based): chr14:100,335,036, C>T on the plus strand (G>A on the coding strand, the complement: WARS1 is on the minus strand). VCF-style: chr14-100335036-C-T. GRCh37 (hg19) VCF-style: chr14-100801373-C-T.
Other names: c.1255G>A, p.Asp419Asn (NM_173701.2); c.1132G>A, p.Asp378Asn (NM_213645.2, NM_213646.2); short protein forms D419N, D378N.
Identifiers: ClinVar variation 2499496 (VCV002499496.3), dbSNP rs550196955, ClinGen allele CA7345010.
Genomic context (GRCh38, chr14:100,335,036, plus strand): 5'-GCAGAACCTCTATGAGTGCCTTCTTGAGCTCACCGGTGAGCATGGCTCCGCTGGTGTAAT[C>T]CTGCCCGGAGGGAGACAGCCACGTGAGAGATGGCTCCACATGTCCTGAGTGGCTCCTTCC-3'
Protein context (NP_004175.2, residues 409-429): DDDKLEQIRK[Asp419Asn]YTSGAMLTGE